The following is an entry in ClinVar:

ClinVar aggregate classification (germline): Uncertain significance (1 of 4 stars; one submission).

gnomAD v4.1: 1 of 1,613,258 alleles (0.000062%); highest among the groups gnomAD compares: South Asian, 0.0011%; no homozygotes.

Submission:

Labcorp Genetics (formerly Invitae), Labcorp
Classification: Uncertain significance. Last evaluated: 2023-01-21. Review status: criteria provided, single submitter. Criteria: Invitae Variant Classification Sherloc (09022015). Collection method: clinical testing. Allele origin: germline.
Comment: In summary, the available evidence is currently insufficient to determine the role of this variant in disease. Therefore, it has been classified as a Variant of Uncertain Significance. This sequence change replaces proline, which is neutral and non-polar, with threonine, which is neutral and polar, at codon 558 of the COL9A3 protein (p.Pro558Thr). This variant is not present in population databases (gnomAD no frequency). This variant has not been reported in the literature in individuals affected with COL9A3-related conditions. Advanced modeling of protein sequence and biophysical properties (such as structural, functional, and spatial information, amino acid conservation, physicochemical variation, residue mobility, and thermodynamic stability) performed at Invitae indicates that this missense variant is not expected to disrupt COL9A3 protein function.

NM_001853.4(COL9A3):c.1672C>A (p.Pro558Thr)

Gene: COL9A3 (collagen type IX alpha 3 chain; plus strand). Cytogenetic location: 20q13.33.
Variant type: single nucleotide variant.
Coding change: c.1672C>A on transcript NM_001853.4 (MANE Select); coding-DNA position 1672, C replaced by A.
Protein change: p.Pro558Thr; replaces proline 558 with threonine.
Molecular consequence: missense variant.
Genome position (GRCh38, 1-based): chr20:62,837,151, C>A. VCF-style: chr20-62837151-C-A. GRCh37 (hg19) VCF-style: chr20-61468503-C-A.
Other names: short protein forms P558T.
Identifiers: ClinVar variation 2820429 (VCV002820429.3), dbSNP rs995654700, ClinGen allele CA409599236.